The following is an entry in ClinVar:

ClinVar aggregate classification (germline): Uncertain significance. Review status: criteria provided, multiple submitters, no conflicts (2 of 4 stars). 4 submissions from 4 submitters: Uncertain significance (4). Last evaluated 2024-08-22.

Allele frequency attached by ClinVar (database versions not stated): gnomAD 0.00006 and 0.00007; gnomAD exomes 0.00007; TOPMed 0.00008; ExAC 0.00010; 1000 Genomes Project 0.00020; 1000 Genomes Project 30x 0.00031.
gnomAD v4.1: 150 of 1,614,040 alleles (0.0093%); highest among the groups gnomAD compares: Middle Eastern, 0.017%; no homozygotes.

Submissions (4):

GeneDx
Classification: Uncertain significance. Last evaluated: 2024-08-22. Review status: criteria provided, single submitter. Criteria: GeneDx Variant Classification Process June 2021. Collection method: clinical testing. Allele origin: germline. Affected: yes.
Comment: In silico analysis indicates that this missense variant does not alter protein structure/function; Has not been previously published as pathogenic or benign to our knowledge

Labcorp Genetics (formerly Invitae), Labcorp
Classification: Uncertain significance. Last evaluated: 2024-02-06. Review status: criteria provided, single submitter. Criteria: Invitae Variant Classification Sherloc (09022015). Collection method: clinical testing. Allele origin: germline.
Comment: This sequence change replaces proline, which is neutral and non-polar, with leucine, which is neutral and non-polar, at codon 3687 of the ANK3 protein (p.Pro3687Leu). This variant is present in population databases (rs201289326, gnomAD 0.02%). This variant has not been reported in the literature in individuals affected with ANK3-related conditions. ClinVar contains an entry for this variant (Variation ID: 434152). Advanced modeling of protein sequence and biophysical properties (such as structural, functional, and spatial information, amino acid conservation, physicochemical variation, residue mobility, and thermodynamic stability) performed at Invitae indicates that this missense variant is not expected to disrupt ANK3 protein function with a negative predictive value of 80%. In summary, the available evidence is currently insufficient to determine the role of this variant in disease. Therefore, it has been classified as a Variant of Uncertain Significance.

Genetic Services Laboratory, University of Chicago
Classification: Uncertain significance. Last evaluated: 2016-01-20. Review status: criteria provided, single submitter. Criteria: ACMG Guidelines, 2015. Collection method: clinical testing. Allele origin: germline. Affected: no.

Breakthrough Genomics
Classification: Uncertain significance. Review status: criteria provided, single submitter. Criteria: ACMG Guidelines, 2015. Collection method: not provided. Allele origin: germline. Inheritance: Autosomal recessive inheritance. Affected: yes.

NM_020987.5(ANK3):c.11060C>T (p.Pro3687Leu)

Gene: ANK3 (ankyrin 3; minus strand). Cytogenetic location: 10q21.2.
Variant type: single nucleotide variant.
Coding change: c.11060C>T on transcript NM_020987.5 (MANE Select); coding-DNA position 11060, C replaced by T.
Protein change: p.Pro3687Leu; replaces proline 3687 with leucine.
Molecular consequence: missense variant. On other transcripts: intron variant (4).
Genome position (GRCh38, 1-based): chr10:60,069,821, G>A on the plus strand (C>T on the coding strand, the complement: ANK3 is on the minus strand). VCF-style: chr10-60069821-G-A. GRCh37 (hg19) VCF-style: chr10-61829579-G-A.
Other names: c.4388-1812C>T (NM_001204403.2); c.4409-1812C>T (NM_001204404.2); c.4406-1812C>T (NM_001320874.2); c.1808-1812C>T (NM_001149.4); short protein forms P3687L.
Identifiers: ClinVar variation 434152 (VCV000434152.13), dbSNP rs201289326, ClinGen allele CA5511166.